The following is an entry in ClinVar:

NM_001083961.2(WDR62):c.2147-34G>A

Gene: WDR62 (WD repeat domain 62; plus strand). Cytogenetic location: 19q13.12.
Variant type: single nucleotide variant.
Coding change: c.2147-34G>A on transcript NM_001083961.2 (MANE Select); 34 bases into the intron before coding-DNA position 2147, G replaced by A.
Molecular consequence: intron variant.
Genome position (GRCh38, 1-based): chr19:36,091,368, G>A. VCF-style: chr19-36091368-G-A. GRCh37 (hg19) VCF-style: chr19-36582270-G-A.
Other names: c.2147-34G>A (NM_173636.5).
Identifiers: ClinVar variation 160261 (VCV000160261.9), dbSNP rs2301736, ClinGen allele CA173907.

ClinVar aggregate classification (germline): Benign. Review status: criteria provided, multiple submitters, no conflicts (2 of 4 stars). 5 submissions from 5 submitters: Benign (4). 1 of the submissions does not count toward it. Last evaluated 2021-12-05.

Conditions:
Microcephaly 2, primary, autosomal recessive, with or without cortical malformations. Also called: MICROCEPHALY 2, PRIMARY, AUTOSOMAL RECESSIVE, WITH CORTICAL MALFORMATIONS; WDR62 Primary Microcephaly. Identifiers: Orphanet 2512, MedGen C1858535, MONDO:0011435, OMIM 604317.

Allele frequency attached by ClinVar (database versions not stated): ESP Exome Variant Server 0.40035; 1000 Genomes Project 30x 0.40522; 1000 Genomes Project 0.41254; TOPMed 0.41260; gnomAD 0.41985 and 0.42523; ExAC 0.43290; gnomAD exomes 0.44385.
gnomAD v4.1: 719,052 of 1,356,602 alleles (53%); highest among the groups gnomAD compares: East Asian, 65%; 163,932 homozygotes.

Submissions (5):

Genome-Nilou Lab
Classification: Benign for Microcephaly 2, primary, autosomal recessive, with or without cortical malformations. Last evaluated: 2021-12-05. Review status: criteria provided, single submitter. Criteria: ACMG Guidelines, 2015. Collection method: clinical testing. Allele origin: germline. Affected: no.

GeneDx
Classification: Benign. Last evaluated: 2018-06-19. Review status: criteria provided, single submitter. Criteria: GeneDx Variant Classification (06012015). Collection method: clinical testing. Allele origin: germline. Affected: yes.
Comment: This variant is considered likely benign or benign based on one or more of the following criteria: it is a conservative change, it occurs at a poorly conserved position in the protein, it is predicted to be benign by multiple in silico algorithms, and/or has population frequency not consistent with disease.

Breakthrough Genomics
Classification: Benign. Review status: criteria provided, single submitter. Criteria: ACMG Guidelines, 2015. Collection method: not provided. Allele origin: germline. Inheritance: Autosomal recessive inheritance. Affected: yes.

PreventionGenetics, part of Exact Sciences
Classification: Benign. Review status: criteria provided, single submitter. Criteria: ACMG Guidelines, 2015. Collection method: clinical testing. Allele origin: germline.

Genetic Services Laboratory, University of Chicago
Classification: Likely benign. Review status: no assertion criteria provided. Collection method: clinical testing. Allele origin: germline. Inheritance: Autosomal recessive inheritance. Not counted in ClinVar's aggregate classification.
Comment: Likely benign based on allele frequency in 1000 Genomes Project or ESP global frequency and its presence in a patient with a rare or unrelated disease phenotype. NOT Sanger confirmed